The following is an entry in ClinVar:

ClinVar aggregate classification (germline): Uncertain significance (1 of 4 stars; one submission).

Submission:

Ambry Genetics
Classification: Uncertain significance. Last evaluated: 2024-03-27. Review status: criteria provided, single submitter. Criteria: Ambry Variant Classification Scheme 2023. Collection method: clinical testing. Allele origin: germline.
Comment: The p.P248S variant (also known as c.742C>T), located in coding exon 1 of the EGLN2 gene, results from a C to T substitution at nucleotide position 742. The proline at codon 248 is replaced by serine, an amino acid with similar properties. This amino acid position is conserved. In addition, this alteration is predicted to be tolerated by in silico analysis. Since supporting evidence is limited at this time, the clinical significance of this alteration remains unclear.

NM_080732.4(EGLN2):c.742C>T (p.Pro248Ser)

Genes: EGLN2 (egl-9 family hypoxia inducible factor 2; plus strand), RAB4B-EGLN2 (RAB4B-EGLN2 readthrough (NMD candidate); plus strand). Cytogenetic location: 19q13.2.
Variant type: single nucleotide variant.
Coding change: c.742C>T on transcript NM_080732.4 (MANE Select); coding-DNA position 742, C replaced by T.
Protein change: p.Pro248Ser; replaces proline 248 with serine.
Molecular consequence: missense variant. On other transcripts: non-coding transcript variant (1).
Genome position (GRCh38, 1-based): chr19:40,801,314, C>T. VCF-style: chr19-40801314-C-T. GRCh37 (hg19) VCF-style: chr19-41307219-C-T.
Other names: c.742C>T, p.Pro248Ser (NM_053046.4); short protein forms P248S.
Identifiers: ClinVar variation 1758872 (VCV001758872.2), dbSNP rs1228821065, ClinGen allele CA405955889.